The following is an entry in ClinVar:

ClinVar aggregate classification (germline): Uncertain significance (1 of 4 stars; one submission).

Conditions:
RASopathy. Also called: rasopathies; Noonan spectrum disorder. Identifiers: Orphanet 536391, MedGen C5555857, MONDO:0021060.

Submission:

Labcorp Genetics (formerly Invitae), Labcorp
Classification: Uncertain significance for RASopathy. Last evaluated: 2025-04-28. Review status: criteria provided, single submitter. Criteria: Invitae Variant Classification Sherloc (09022015). Collection method: clinical testing. Allele origin: germline.
Comment: This sequence change replaces proline, which is neutral and non-polar, with serine, which is neutral and polar, at codon 300 of the SHOC2 protein (p.Pro300Ser). This variant is not present in population databases (gnomAD no frequency). This variant has not been reported in the literature in individuals affected with SHOC2-related conditions. Invitae Evidence Modeling of protein sequence and biophysical properties (such as structural, functional, and spatial information, amino acid conservation, physicochemical variation, residue mobility, and thermodynamic stability) indicates that this missense variant is expected to disrupt SHOC2 protein function with a positive predictive value of 80%. In summary, the available evidence is currently insufficient to determine the role of this variant in disease. Therefore, it has been classified as a Variant of Uncertain Significance.

NM_007373.4(SHOC2):c.898C>T (p.Pro300Ser)

Gene: SHOC2 (SHOC2 leucine rich repeat scaffold protein; plus strand). Cytogenetic location: 10q25.2.
Variant type: single nucleotide variant.
Coding change: c.898C>T on transcript NM_007373.4 (MANE Select); coding-DNA position 898, C replaced by T.
Protein change: p.Pro300Ser; replaces proline 300 with serine.
Molecular consequence: missense variant. On other transcripts: 5 prime UTR variant (2), intron variant (1).
Genome position (GRCh38, 1-based): chr10:111,000,471, C>T. VCF-style: chr10-111000471-C-T. GRCh37 (hg19) VCF-style: chr10-112760229-C-T.
Other names: c.760C>T, p.Pro254Ser (NM_001269039.3, NM_001441186.1); c.898C>T, p.Pro300Ser (NM_001324336.2, NM_001324337.2, NM_001441184.1 and 2 more transcripts); c.229C>T, p.Pro77Ser (NM_001441188.1); c.-186C>T (NM_001441189.1, NM_001441190.1); c.-111-4135C>T (NM_001441191.1); short protein forms P77S, P254S, P300S.
Identifiers: ClinVar variation 4772722 (VCV004772722.1).